The following is an entry in ClinVar:

NM_001098426.2(SMARCD2):c.1440+5A>G

Gene: SMARCD2 (SWI/SNF related BAF chromatin remodeling complex subunit D2; minus strand). Cytogenetic location: 17q23.3.
Variant type: single nucleotide variant.
Coding change: c.1440+5A>G on transcript NM_001098426.2 (MANE Select); 5 bases into the intron after coding-DNA position 1440, A replaced by G.
Molecular consequence: intron variant.
Genome position (GRCh38, 1-based): chr17:63,833,293, T>C on the plus strand (A>G on the coding strand, the complement: SMARCD2 is on the minus strand). VCF-style: chr17-63833293-T-C. GRCh37 (hg19) VCF-style: chr17-61910653-T-C.
Other names: c.1215+5A>G (NM_001330439.1); c.1296+5A>G (NM_001330440.2).
Identifiers: ClinVar variation 4717123 (VCV004717123.1).

ClinVar aggregate classification (germline): Uncertain significance (1 of 4 stars; one submission).

gnomAD v4.1: 3 of 1,613,950 alleles (0.00019%); highest among the groups gnomAD compares: South Asian, 0.0033%; no homozygotes.

Submission:

Labcorp Genetics (formerly Invitae), Labcorp
Classification: Uncertain significance. Last evaluated: 2025-10-21. Review status: criteria provided, single submitter. Criteria: Invitae Variant Classification Sherloc (09022015). Collection method: clinical testing. Allele origin: germline.
Comment: This sequence change falls in intron 11 of the SMARCD2 gene. It does not directly change the encoded amino acid sequence of the SMARCD2 protein. It affects a nucleotide within the consensus splice site. This variant is present in population databases (no rsID available, gnomAD 0.003%). This variant has not been reported in the literature in individuals affected with SMARCD2-related conditions. Variants that disrupt the consensus splice site are a relatively common cause of aberrant splicing (PMID: 17576681, 9536098). Algorithms developed to predict the effect of sequence changes on RNA splicing suggest that this variant is not likely to affect RNA splicing. In summary, the available evidence is currently insufficient to determine the role of this variant in disease. Therefore, it has been classified as a Variant of Uncertain Significance.

Literature cited by the submitters: PubMed 17576681; PubMed 9536098.